The following is an entry in ClinVar:

ClinVar aggregate classification (germline): Uncertain significance (1 of 4 stars; one submission).

gnomAD v4.1: 4 of 1,613,780 alleles (0.00025%); highest among the groups gnomAD compares: Non-Finnish European, 0.00034%; no homozygotes.

Submission:

Labcorp Genetics (formerly Invitae), Labcorp
Classification: Uncertain significance. Last evaluated: 2025-12-22. Review status: criteria provided, single submitter. Criteria: Invitae Variant Classification Sherloc (09022015). Collection method: clinical testing. Allele origin: germline.
Comment: This sequence change replaces alanine, which is neutral and non-polar, with valine, which is neutral and non-polar, at codon 811 of the FOCAD protein (p.Ala811Val). This variant is present in population databases (rs749908761, gnomAD 0.003%). This variant has not been reported in the literature in individuals affected with FOCAD-related conditions. Experimental studies and prediction algorithms are not available or were not evaluated, and the functional significance of this variant is currently unknown. In summary, the available evidence is currently insufficient to determine the role of this variant in disease. Therefore, it has been classified as a Variant of Uncertain Significance.

NM_001375567.1(FOCAD):c.2432C>T (p.Ala811Val)

Gene: FOCAD (focadhesin; plus strand). Cytogenetic location: 9p21.3.
Variant type: single nucleotide variant.
Coding change: c.2432C>T on transcript NM_001375567.1 (MANE Select); coding-DNA position 2432, C replaced by T.
Protein change: p.Ala811Val; replaces alanine 811 with valine.
Molecular consequence: missense variant.
Genome position (GRCh38, 1-based): chr9:20,881,985, C>T. VCF-style: chr9-20881985-C-T. GRCh37 (hg19) VCF-style: chr9-20881984-C-T.
Other names: c.2327C>T, p.Ala776Val (NM_001375568.1, NM_001375570.1); c.2432C>T, p.Ala811Val (NM_017794.5); short protein forms A776V, A811V.
Identifiers: ClinVar variation 4711956 (VCV004711956.1).
Genomic context (GRCh38, chr9:20,881,985, plus strand): 5'-GTGGGATATATCACTCTGCATTAAAAGGAGGTGCCCGCTCAGACCAAGGAAAGACTGTAG[C>T]AGGAATCCCCAATTTTATATTGAAAATGTATGAAACAAACAAGCAACCAGGACTGAAACC-3'
Protein context (NP_001362496.1, residues 801-821): GARSDQGKTV[Ala811Val]GIPNFILKMY